The following is an entry in ClinVar:

NM_001134673.4(NFIA):c.491A>C (p.Gln164Pro)

Gene: NFIA (nuclear factor I A; plus strand). Cytogenetic location: 1p31.3.
Variant type: single nucleotide variant.
Coding change: c.491A>C on transcript NM_001134673.4 (MANE Select); coding-DNA position 491, A replaced by C.
Protein change: p.Gln164Pro; replaces glutamine 164 with proline.
Molecular consequence: missense variant.
Genome position (GRCh38, 1-based): chr1:61,088,612, A>C. VCF-style: chr1-61088612-A-C. GRCh37 (hg19) VCF-style: chr1-61554284-A-C.
Other names: c.467A>C, p.Gln156Pro (NM_001145511.2); c.626A>C, p.Gln209Pro (NM_001145512.2); c.491A>C, p.Gln164Pro (NM_005595.5); short protein forms Q156P, Q164P, Q209P.
Identifiers: ClinVar variation 2853343 (VCV002853343.3), dbSNP rs2524201401, ClinGen allele CA340587171.

ClinVar aggregate classification (germline): Uncertain significance (1 of 4 stars; one submission).

Submission:

Labcorp Genetics (formerly Invitae), Labcorp
Classification: Uncertain significance. Last evaluated: 2023-04-07. Review status: criteria provided, single submitter. Criteria: Invitae Variant Classification Sherloc (09022015). Collection method: clinical testing. Allele origin: germline.
Comment: In summary, the available evidence is currently insufficient to determine the role of this variant in disease. Therefore, it has been classified as a Variant of Uncertain Significance. An algorithm developed to predict the effect of missense changes on protein structure and function (PolyPhen-2) suggests that this variant is likely to be disruptive. This variant has not been reported in the literature in individuals affected with NFIA-related conditions. This variant is not present in population databases (gnomAD no frequency). This sequence change replaces glutamine, which is neutral and polar, with proline, which is neutral and non-polar, at codon 164 of the NFIA protein (p.Gln164Pro).